The following is an entry in ClinVar:

ClinVar aggregate classification (germline): Uncertain significance (1 of 4 stars; one submission).

Submission:

GeneDx
Classification: Uncertain significance. Last evaluated: 2026-02-27. Review status: criteria provided, single submitter. Criteria: GeneDx Variant Classification Process June 2021. Collection method: clinical testing. Allele origin: germline.
Comment: Not observed at significant frequency in large population cohorts (gnomAD); In silico analysis suggests that this missense variant does not alter protein structure/function; Has not been previously published as pathogenic or benign to our knowledge

NM_005483.3(CHAF1A):c.804G>C (p.Glu268Asp)

Gene: CHAF1A (chromatin assembly factor 1 subunit A; plus strand). Cytogenetic location: 19p13.3.
Variant type: single nucleotide variant.
Coding change: c.804G>C on transcript NM_005483.3 (MANE Select); coding-DNA position 804, G replaced by C.
Protein change: p.Glu268Asp; replaces glutamic acid 268 with aspartic acid.
Molecular consequence: missense variant.
Genome position (GRCh38, 1-based): chr19:4,409,603, G>C. VCF-style: chr19-4409603-G-C. GRCh37 (hg19) VCF-style: chr19-4409600-G-C.
Other names: short protein forms E268D.
Identifiers: ClinVar variation 5010094 (VCV005010094.1).
Genomic context (GRCh38, chr19:4,409,603, plus strand): 5'-GAGACCACCGCAAATCAAGTCCCTTCCAGCCACACCCCAAGGCAAGAACATGACCCCTGA[G>C]AGTGAGGTGCTGGAATCTTTCCCCGAAGAAGACTCTGTACTCAGCCATTCGTCCCTGAGC-3'
Protein context (NP_005474.2, residues 258-278): ATPQGKNMTP[Glu268Asp]SEVLESFPEE